The following is an entry in ClinVar:

NM_000081.4(LYST):c.10921A>G (p.Ile3641Val)

Gene: LYST (lysosomal trafficking regulator; minus strand). Cytogenetic location: 1q42.3.
Variant type: single nucleotide variant.
Coding change: c.10921A>G on transcript NM_000081.4 (MANE Select); coding-DNA position 10921, A replaced by G.
Protein change: p.Ile3641Val; replaces isoleucine 3641 with valine.
Molecular consequence: missense variant.
Genome position (GRCh38, 1-based): chr1:235,677,499, T>C on the plus strand (A>G on the coding strand, the complement: LYST is on the minus strand). VCF-style: chr1-235677499-T-C. GRCh37 (hg19) VCF-style: chr1-235840799-T-C.
Other names: c.10921A>G, p.Ile3641Val (NM_001301365.1); short protein forms I3641V.
Identifiers: ClinVar variation 1370034 (VCV001370034.5), dbSNP rs1659475689, ClinGen allele CA344921676.

ClinVar aggregate classification (germline): Uncertain significance (1 of 4 stars; one submission).

Conditions:
Chédiak-Higashi syndrome (CHS). Also called: Chediak-Higashi Syndrome. Identifiers: Orphanet 167, MedGen C0007965, MONDO:0008963, OMIM 214500.

Allele frequency attached by ClinVar (database versions not stated): gnomAD exomes below 0.00001; TOPMed 0.00001.
gnomAD v4.1: 2 of 1,613,856 alleles (0.00012%); highest among the groups gnomAD compares: Non-Finnish European, 0.00017%; no homozygotes.

Submission:

Labcorp Genetics (formerly Invitae), Labcorp
Classification: Uncertain significance for Chédiak-Higashi syndrome. Last evaluated: 2025-07-13. Review status: criteria provided, single submitter. Criteria: Invitae Variant Classification Sherloc (09022015). Collection method: clinical testing. Allele origin: germline.
Comment: This sequence change replaces isoleucine, which is neutral and non-polar, with valine, which is neutral and non-polar, at codon 3641 of the LYST protein (p.Ile3641Val). This variant is not present in population databases (gnomAD no frequency). This variant has not been reported in the literature in individuals affected with LYST-related conditions. ClinVar contains an entry for this variant (Variation ID: 1370034). Invitae Evidence Modeling of protein sequence and biophysical properties (such as structural, functional, and spatial information, amino acid conservation, physicochemical variation, residue mobility, and thermodynamic stability) indicates that this missense variant is not expected to disrupt LYST protein function with a negative predictive value of 80%. In summary, the available evidence is currently insufficient to determine the role of this variant in disease. Therefore, it has been classified as a Variant of Uncertain Significance.